The following is an entry in ClinVar:

ClinVar aggregate classification (germline): Uncertain significance (1 of 4 stars; one submission).

Submission:

Labcorp Genetics (formerly Invitae), Labcorp
Classification: Uncertain significance. Last evaluated: 2021-03-22. Review status: criteria provided, single submitter. Criteria: Invitae Variant Classification Sherloc (09022015). Collection method: clinical testing. Allele origin: germline.
Comment: Experimental studies and prediction algorithms are not available or were not evaluated, and the functional significance of this variant is currently unknown. This variant has not been reported in the literature in individuals with DHX38-related conditions. The frequency data for this variant in the population databases is considered unreliable, as metrics indicate poor data quality at this position in the ExAC database. This variant, c.1030_1032del, results in the deletion of 1 amino acid(s) of the DHX38 protein (p.Ser344del), but otherwise preserves the integrity of the reading frame. In summary, the available evidence is currently insufficient to determine the role of this variant in disease. Therefore, it has been classified as a Variant of Uncertain Significance.

NM_014003.4(DHX38):c.1027TCC[1] (p.Ser344del)

Gene: DHX38 (DEAH-box helicase 38; plus strand). Cytogenetic location: 16q22.2.
Variant type: Microsatellite.
Coding change: c.1027TCC[1] on transcript NM_014003.4 (MANE Select); one copy of the 3-base unit TCC starting at c.1027; the reference has two copies in a row; one copy, 3 bases deleted.
Protein change: p.Ser344del; deletes serine 344.
Molecular consequence: inframe deletion.
Genome position (GRCh38, 1-based): chr16:72,099,801-72,099,803, TCC deleted; deleting any 3 consecutive bases within chr16:72,099,797-72,099,803 gives the same sequence; the position shown is the placement nearest the transcript's 3' end. VCF-style (leftmost placement, unchanged base first): chr16-72099796-ACTC-A. GRCh37 (hg19) VCF-style: chr16-72133695-ACTC-A.
Other names: short protein forms S344del.
Identifiers: ClinVar variation 1489398 (VCV001489398.8), dbSNP rs751672592, ClinGen allele CA8160183.
Genomic context (GRCh38, chr16:72,099,796, plus strand): 5'-CCGATCGGGATTGGTACATGATGGACGAGGGCTATGACGAGTTCCACAACCCGCTGGCCT[ACTC>A]CTCCGAGGACTACGTGAGGAGGCGGGAGCAGCACCTGCATAAACAGAAGCAGAAGCGCAT-3'